The following is an entry in ClinVar:

NM_001931.5(DLAT):c.46G>A (p.Ala16Thr)

Gene: DLAT (dihydrolipoamide S-acetyltransferase; plus strand). Cytogenetic location: 11q23.1.
Variant type: single nucleotide variant.
Coding change: c.46G>A on transcript NM_001931.5 (MANE Select); coding-DNA position 46, G replaced by A.
Protein change: p.Ala16Thr; replaces alanine 16 with threonine.
Molecular consequence: missense variant. On other transcripts: 5 prime UTR variant (1), non-coding transcript variant (1).
Genome position (GRCh38, 1-based): chr11:112,025,518, G>A. VCF-style: chr11-112025518-G-A. GRCh37 (hg19) VCF-style: chr11-111896242-G-A.
Other names: p.A16T:GCG>ACG; c.46G>A, p.Ala16Thr (NM_001372031.1, NM_001372032.1, NM_001372033.1 and 6 more transcripts); c.5G>A, p.Gly2Asp (NM_001372036.1, NM_001372037.1); c.-421G>A (NM_001372042.1); short protein forms A16T, G2D.
Identifiers: ClinVar variation 137085 (VCV000137085.12), dbSNP rs150145390, ClinGen allele CA290590.

ClinVar aggregate classification (germline): Benign. Review status: criteria provided, multiple submitters, no conflicts (2 of 4 stars). 2 submissions from 2 submitters: Benign (2). Last evaluated 2026-01-25.

Conditions:
Pyruvate dehydrogenase E2 deficiency (PDHDD). Also called: Dihydrolipoamide Acetyltransferase (E2) Deficiency; LACTIC ACIDEMIA DUE TO DEFECT OF E2 LIPOYL TRANSACETYLASE OF THE PYRUVATE DEHYDROGENASE COMPLEX. Identifiers: Orphanet 765, Orphanet 79244, MedGen C1855565, MONDO:0009502, OMIM 245348.

Allele frequency attached by ClinVar (database versions not stated): gnomAD exomes 0.00115 and 0.00283; gnomAD 0.00130 and 0.00091; TOPMed 0.00168; ExAC 0.00268; 1000 Genomes Project 30x 0.00531; 1000 Genomes Project 0.00539; ESP Exome Variant Server 0.00031.
gnomAD v4.1: 1,897 of 1,614,018 alleles (0.12%); highest among the groups gnomAD compares: East Asian, 3.1%; 19 homozygotes.

Submissions (2):

Labcorp Genetics (formerly Invitae), Labcorp
Classification: Benign for Pyruvate dehydrogenase E2 deficiency. Last evaluated: 2026-01-25. Review status: criteria provided, single submitter. Criteria: Invitae Variant Classification Sherloc (09022015). Collection method: clinical testing. Allele origin: germline.

GeneDx
Classification: Benign. Last evaluated: 2013-12-31. Review status: criteria provided, single submitter. Criteria: GeneDx Variant Classification (06012015). Collection method: clinical testing. Allele origin: germline. Affected: yes.
Comment: This variant is considered likely benign or benign based on one or more of the following criteria: it is a conservative change, it occurs at a poorly conserved position in the protein, it is predicted to be benign by multiple in silico algorithms, and/or has population frequency not consistent with disease.